The following is an entry in ClinVar:

ClinVar aggregate classification (germline): Uncertain significance. Review status: criteria provided, multiple submitters, no conflicts (2 of 4 stars). 5 submissions from 5 submitters: Uncertain significance (5). Last evaluated 2025-08-06.

Conditions:
Inborn genetic diseases. Identifiers: MedGen C0950123, MeSH D030342.
Myofibrillar myopathy 3 (MFM3). Also called: Muscular dystrophy, proximal, type 1A; Autosomal dominant spheroid body myopathy. Identifiers: Orphanet 266, Orphanet 268129, MedGen C3714934, MONDO:0012215, OMIM 609200.

Allele frequency attached by ClinVar (database versions not stated): gnomAD exomes 0.00001 and 0.00003; ExAC 0.00002; ESP Exome Variant Server 0.00008; TOPMed 0.00012; gnomAD 0.00014 and 0.00015; 1000 Genomes Project 30x 0.00016; 1000 Genomes Project 0.00020.
gnomAD v4.1: 29 of 1,614,052 alleles (0.0018%); highest among the groups gnomAD compares: African/African-American, 0.036%; no homozygotes.

Submissions (5):

Ambry Genetics
Classification: Uncertain significance for Inborn genetic diseases. Last evaluated: 2025-08-06. Review status: criteria provided, single submitter. Criteria: Ambry Variant Classification Scheme 2023. Collection method: clinical testing. Allele origin: germline.

Labcorp Genetics (formerly Invitae), Labcorp
Classification: Uncertain significance for Myofibrillar myopathy 3. Last evaluated: 2024-08-04. Review status: criteria provided, single submitter. Criteria: Invitae Variant Classification Sherloc (09022015). Collection method: clinical testing. Allele origin: germline.
Comment: This sequence change replaces leucine, which is neutral and non-polar, with phenylalanine, which is neutral and non-polar, at codon 471 of the MYOT protein (p.Leu471Phe). This variant is present in population databases (rs146426896, gnomAD 0.05%). This variant has not been reported in the literature in individuals affected with MYOT-related conditions. ClinVar contains an entry for this variant (Variation ID: 283264). An algorithm developed to predict the effect of missense changes on protein structure and function (PolyPhen-2) suggests that this variant is likely to be disruptive. In summary, the available evidence is currently insufficient to determine the role of this variant in disease. Therefore, it has been classified as a Variant of Uncertain Significance.

GeneDx
Classification: Uncertain significance. Last evaluated: 2020-09-03. Review status: criteria provided, single submitter. Criteria: GeneDx Variant Classification Process June 2021. Collection method: clinical testing. Allele origin: germline. Affected: yes.
Comment: The majority of missense variants in this gene are considered pathogenic (Stenson et al., 2014); In silico analysis supports that this missense variant has a deleterious effect on protein structure/function; Has not been previously published as pathogenic or benign to our knowledge; This variant is associated with the following publications: (PMID: 30564623)

Revvity Omics, Revvity
Classification: Uncertain significance for Myofibrillar myopathy 3. Last evaluated: 2020-03-15. Review status: criteria provided, single submitter. Criteria: ACMG Guidelines, 2015. Collection method: clinical testing. Allele origin: germline.

Eurofins Ntd Llc (ga)
Classification: Uncertain significance. Last evaluated: 2015-09-08. Review status: criteria provided, single submitter. Criteria: EGL Classification Definitions 2015. Collection method: clinical testing. Allele origin: germline. Observed: 1 variant allele, 1 heterozygote.

NM_006790.3(MYOT):c.1413G>T (p.Leu471Phe)

Genes: MYOT (myotilin; plus strand), PKD2L2-DT (PKD2L2 divergent transcript; minus strand). Cytogenetic location: 5q31.2.
Variant type: single nucleotide variant.
Coding change: c.1413G>T on transcript NM_006790.3 (MANE Select); coding-DNA position 1413, G replaced by T.
Protein change: p.Leu471Phe; replaces leucine 471 with phenylalanine.
Molecular consequence: missense variant.
Genome position (GRCh38, 1-based): chr5:137,887,301, G>T. VCF-style: chr5-137887301-G-T. GRCh37 (hg19) VCF-style: chr5-137222990-G-T.
Other names: c.861G>T, p.Leu287Phe (NM_001135940.2); c.1068G>T, p.Leu356Phe (NM_001300911.2); short protein forms L471F, L356F, L287F.
Identifiers: ClinVar variation 283264 (VCV000283264.18), dbSNP rs146426896, ClinGen allele CA3423198.